The following is an entry in ClinVar:

NM_004523.4(KIF11):c.76A>G (p.Arg26Gly)

Gene: KIF11 (kinesin family member 11; plus strand). Cytogenetic location: 10q23.33.
Variant type: single nucleotide variant.
Coding change: c.76A>G on transcript NM_004523.4 (MANE Select); coding-DNA position 76, A replaced by G.
Protein change: p.Arg26Gly; replaces arginine 26 with glycine.
Molecular consequence: missense variant.
Genome position (GRCh38, 1-based): chr10:92,593,451, A>G. VCF-style: chr10-92593451-A-G. GRCh37 (hg19) VCF-style: chr10-94353208-A-G.
Other names: short protein forms R26G.
Identifiers: ClinVar variation 1474738 (VCV001474738.9), dbSNP rs2135892544, ClinGen allele CA377585946.

ClinVar aggregate classification (germline): Pathogenic/Likely pathogenic. Review status: criteria provided, multiple submitters, no conflicts (2 of 4 stars). 2 submissions from 2 submitters: Pathogenic (1); Likely pathogenic (1). Last evaluated 2022-07-07.

Submissions (2):

GeneDx
Classification: Pathogenic. Last evaluated: 2022-07-07. Review status: criteria provided, single submitter. Criteria: GeneDx Variant Classification Process June 2021. Collection method: clinical testing. Allele origin: germline. Affected: yes.
Comment: Not observed in large population cohorts (gnomAD); In silico analysis supports that this missense variant has a deleterious effect on protein structure/function; In silico analysis supports a deleterious effect on splicing; Has not been previously published as pathogenic or benign to our knowledge

Labcorp Genetics (formerly Invitae), Labcorp
Classification: Likely pathogenic. Last evaluated: 2021-05-28. Review status: criteria provided, single submitter. Criteria: Invitae Variant Classification Sherloc (09022015). Collection method: clinical testing. Allele origin: germline.
Comment: In summary, the currently available evidence indicates that the variant is pathogenic, but additional data are needed to prove that conclusively. Therefore, this variant has been classified as Likely Pathogenic. This sequence change replaces arginine with glycine at codon 26 of the KIF11 protein (p.Arg26Gly). The arginine residue is highly conserved and there is a moderate physicochemical difference between arginine and glycine. This variant is not present in population databases (ExAC no frequency). This variant has been observed in individual(s) with clinical features of microcephaly with or without chorioretinopathy, lymphedema, or mental retardation (Invitae). In at least one individual the variant was observed to be de novo. Algorithms developed to predict the effect of missense changes on protein structure and function (SIFT, PolyPhen-2, Align-GVGD) all suggest that this variant is likely to be disruptive, but these predictions have not been confirmed by published functional studies and their clinical significance is uncertain. Algorithms developed to predict the effect of sequence changes on RNA splicing suggest that this variant may disrupt the consensus splice site, but this prediction has not been confirmed by published transcriptional studies.